The following is an entry in ClinVar:

ClinVar aggregate classification (germline): Uncertain significance (1 of 4 stars; one submission).

Conditions:
Brachyolmia-amelogenesis imperfecta syndrome. Also called: PLATYSPONDYLY WITH AMELOGENESIS IMPERFECTA; Tooth agenesis, selective, 6; Dental anomalies and short stature. Identifiers: Orphanet 2899, MedGen C1832594, MONDO:0011018, OMIM 601216. Disease mechanism: loss of function.

Submission:

Labcorp Genetics (formerly Invitae), Labcorp
Classification: Uncertain significance for Brachyolmia-amelogenesis imperfecta syndrome. Last evaluated: 2023-03-01. Review status: criteria provided, single submitter. Criteria: Invitae Variant Classification Sherloc (09022015). Collection method: clinical testing. Allele origin: germline.
Comment: In summary, the available evidence is currently insufficient to determine the role of this variant in disease. Therefore, it has been classified as a Variant of Uncertain Significance. An algorithm developed to predict the effect of missense changes on protein structure and function (PolyPhen-2) suggests that this variant is likely to be disruptive. This variant has not been reported in the literature in individuals affected with LTBP3-related conditions. This variant is not present in population databases (gnomAD no frequency). This sequence change replaces arginine, which is basic and polar, with serine, which is neutral and polar, at codon 992 of the LTBP3 protein (p.Arg992Ser).

NM_001130144.3(LTBP3):c.2974C>A (p.Arg992Ser)

Genes: LTBP3 (latent transforming growth factor beta binding protein 3; minus strand), LOC121832793 (Sharpr-MPRA regulatory region 4001; plus strand). Cytogenetic location: 11q13.1.
Variant type: single nucleotide variant.
Coding change: c.2974C>A on transcript NM_001130144.3 (MANE Select); coding-DNA position 2974, C replaced by A.
Protein change: p.Arg992Ser; replaces arginine 992 with serine.
Molecular consequence: missense variant.
Genome position (GRCh38, 1-based): chr11:65,540,874, G>T on the plus strand (C>A on the coding strand, the complement: LTBP3 is on the minus strand). VCF-style: chr11-65540874-G-T. GRCh37 (hg19) VCF-style: chr11-65308345-G-T.
Other names: c.2623C>A, p.Arg875Ser (NM_001164266.1); c.2974C>A, p.Arg992Ser (NM_021070.4); short protein forms R875S, R992S.
Identifiers: ClinVar variation 2841847 (VCV002841847.3), dbSNP rs1455105685, ClinGen allele CA381267963.
Genomic context (GRCh38, chr11:65,540,874, plus strand): 5'-GGCGAGCCCAACCCGGGGTGAGAGGGCGCGGGGCGGGCGGAGCCGCAGGGCGCTTACCAC[G>T]GTGGGCTGGGATGCCGTAGTTGACGATGTTGTTGTCCTGGGTGTAGCCCTTTCCGTCTGG-3'
Protein context (NP_001123616.1, residues 982-1002): NIVNYGIPAH[Arg992Ser]DIDECMLFGS